The following is an entry in ClinVar:

NM_003290.3(TPM4):c.216G>A (p.Thr72=)

Gene: TPM4 (tropomyosin 4; plus strand). Cytogenetic location: 19p13.12.
Variant type: single nucleotide variant.
Coding change: c.216G>A on transcript NM_003290.3 (MANE Select); coding-DNA position 216, G replaced by A.
Protein change: p.Thr72=; no amino-acid change (threonine 72 retained).
Molecular consequence: synonymous variant.
Genome position (GRCh38, 1-based): chr19:16,081,996, G>A. VCF-style: chr19-16081996-G-A. GRCh37 (hg19) VCF-style: chr19-16192806-G-A.
Other names: p.Thr108=; c.324G>A, p.Thr108= (NM_001145160.2); c.276G>A, p.Thr92= (NM_001367836.1); c.216G>A, p.Thr72= (NM_001367837.2); c.207G>A, p.Thr69= (NM_001367838.1).
Identifiers: ClinVar variation 4684331 (VCV004684331.1).

ClinVar aggregate classification (germline): Benign (1 of 4 stars; one submission).

gnomAD v4.1: 2,518 of 1,610,476 alleles (0.16%); highest among the groups gnomAD compares: South Asian, 1.6%; 25 homozygotes.

Submission:

Mayo Clinic Laboratories, Mayo Clinic
Classification: Benign. Last evaluated: 2023-11-27. Review status: criteria provided, single submitter. Criteria: ACMG Guidelines, 2015. Collection method: clinical testing. Allele origin: germline. Observed: 4 variant alleles.
Comment: BS1, BS2, BP4, BP7